The following is an entry in ClinVar:

NM_001267550.2(TTN):c.37543+5G>T

Gene: TTN (titin; minus strand). Cytogenetic location: 2q31.2.
Variant type: single nucleotide variant.
Coding change: c.37543+5G>T on transcript NM_001267550.2 (MANE Select); 5 bases into the intron after coding-DNA position 37543, G replaced by T.
Molecular consequence: intron variant.
Genome position (GRCh38, 1-based): chr2:178,658,700, C>A on the plus strand (G>T on the coding strand, the complement: TTN is on the minus strand). VCF-style: chr2-178658700-C-A. GRCh37 (hg19) VCF-style: chr2-179523427-C-A.
Other names: c.13283-16383G>T (NM_003319.4); c.13859-16383G>T (NM_133437.4); c.13658-16383G>T (NM_133432.3); c.31741+305G>T (NM_133378.4); c.34522+305G>T (NM_001256850.1).
Identifiers: ClinVar variation 467084 (VCV000467084.4), dbSNP rs570767771, ClinGen allele CA1997264.

ClinVar aggregate classification (germline): Uncertain significance. Review status: criteria provided, multiple submitters, no conflicts (2 of 4 stars). 2 submissions from 2 submitters: Uncertain significance (2). Last evaluated 2025-08-28.

Conditions:
TTN-related disorder. Also called: TTN-related condition; TTN-related disease; TTN-related disorders.
Autosomal recessive limb-girdle muscular dystrophy type 2J (LGMDR10). Also called: Limb-girdle muscular dystrophy, type 2J; MUSCULAR DYSTROPHY, LIMB-GIRDLE, AUTOSOMAL RECESSIVE 10. Identifiers: Orphanet 140922, MedGen C1837342, MONDO:0012127, OMIM 608807.
Dilated cardiomyopathy 1G (CMD1G). Identifiers: Orphanet 154, MedGen C1858763, MONDO:0011400, OMIM 604145.

Allele frequency attached by ClinVar (database versions not stated): ExAC below 0.00001; TOPMed 0.00002; gnomAD exomes 0.00010; 1000 Genomes Project 30x 0.00078; 1000 Genomes Project 0.00100.

Submissions (2):

PreventionGenetics, part of Exact Sciences
Classification: Uncertain significance for TTN-related condition. Last evaluated: 2025-08-28. Review status: criteria provided, single submitter. Criteria: ACMG Guidelines, 2015. Collection method: clinical testing. Allele origin: germline.
Comment: The TTN c.37543+5G>T variant is predicted to interfere with splicing. To our knowledge, this variant has not been reported in the literature. This variant is reported in 0.076% of alleles in individuals of East Asian descent in gnomAD. At this time, the clinical significance of this variant is uncertain due to the absence of conclusive functional and genetic evidence.

Labcorp Genetics (formerly Invitae), Labcorp
Classification: Uncertain significance for Dilated cardiomyopathy 1G; Autosomal recessive limb-girdle muscular dystrophy type 2J. Last evaluated: 2017-12-27. Review status: criteria provided, single submitter. Criteria: Invitae Variant Classification Sherloc (09022015). Collection method: clinical testing. Allele origin: germline.